The following is an entry in ClinVar:

ClinVar aggregate classification (germline): Likely pathogenic. Review status: criteria provided, multiple submitters, no conflicts (2 of 4 stars). 3 submissions from 3 submitters: Likely pathogenic (2). 1 of the submissions does not count toward it. Last evaluated 2023-08-10.

Conditions:
Familial long QT syndrome (RWS). Also called: Congenital long QT syndrome; Romano-Ward syndrome; VENTRICULAR FIBRILLATION WITH PROLONGED QT INTERVAL. Identifiers: Orphanet 768, MedGen C1141890, MONDO:0019171.
Long QT syndrome (LQTS). Identifiers: MedGen C0023976, MeSH D008133, MONDO:0002442. Disease mechanism: loss of function. Inheritance: Various modes of inheritance.

Submissions (3):

GeneDx
Classification: Likely pathogenic. Last evaluated: 2023-08-10. Review status: criteria provided, single submitter. Criteria: GeneDx Variant Classification Process June 2021. Collection method: clinical testing. Allele origin: germline. Affected: yes.
Comment: Published functional studies demonstrate a damaging effect, specifically Kv11.1 current reduction due to deficient protein trafficking (Anderson et al., 2006); Not observed at significant frequency in large population cohorts (gnomAD); In silico analysis supports that this missense variant has a deleterious effect on protein structure/function; This variant is associated with the following publications: (PMID: 22949429, 16432067, 15242738)

Labcorp Genetics (formerly Invitae), Labcorp
Classification: Likely pathogenic for Long QT syndrome. Last evaluated: 2022-07-25. Review status: criteria provided, single submitter. Criteria: Invitae Variant Classification Sherloc (09022015). Collection method: clinical testing. Allele origin: germline.
Comment: In summary, the currently available evidence indicates that the variant is pathogenic, but additional data are needed to prove that conclusively. Therefore, this variant has been classified as Likely Pathogenic. This variant disrupts the p.His562 amino acid residue in KCNH2. Other variant(s) that disrupt this residue have been determined to be pathogenic (PMID: 19716085, 25819988). This suggests that this residue is clinically significant, and that variants that disrupt this residue are likely to be disease-causing. Experimental studies have shown that this missense change affects KCNH2 function (PMID: 15242738, 16432067). Algorithms developed to predict the effect of missense changes on protein structure and function are either unavailable or do not agree on the potential impact of this missense change (SIFT: "Deleterious"; PolyPhen-2: "Probably Damaging"; Align-GVGD: "Class C0"). ClinVar contains an entry for this variant (Variation ID: 67231). This missense change has been observed in individuals with long QT syndrome (PMID: 15242738; Invitae). This variant is not present in population databases (gnomAD no frequency). This sequence change replaces histidine, which is basic and polar, with proline, which is neutral and non-polar, at codon 562 of the KCNH2 protein (p.His562Pro).

Cardiovascular Biomedical Research Unit, Royal Brompton & Harefield NHS Foundation Trust
No classification provided. Condition: Familial long QT syndrome. Review status: no classification provided. Collection method: literature only. Allele origin: germline. Not counted in ClinVar's aggregate classification.
Comment: This variant has been reported as associated with Long QT syndrome in the following publications (PMID:15242738;PMID:15840476;PMID:16432067;PMID:19841300). This is a literature report, and does not necessarily reflect the clinical interpretation of the Imperial College / Royal Brompton Cardiovascular Genetics laboratory.

Literature cited by the submitters: PubMed 19716085 (cited by Labcorp Genetics (formerly Invitae), Labcorp); PubMed 25819988 (cited by Labcorp Genetics (formerly Invitae), Labcorp); PubMed 15242738 (cited by Labcorp Genetics (formerly Invitae), Labcorp and Cardiovascular Biomedical Research Unit, Royal Brompton & Harefield NHS Foundation Trust); PubMed 16432067 (cited by Labcorp Genetics (formerly Invitae), Labcorp and Cardiovascular Biomedical Research Unit, Royal Brompton & Harefield NHS Foundation Trust); PubMed 15840476 (cited by Cardiovascular Biomedical Research Unit, Royal Brompton & Harefield NHS Foundation Trust); PubMed 19841300 (cited by Cardiovascular Biomedical Research Unit, Royal Brompton & Harefield NHS Foundation Trust); PubMed 22581653 (cited by Cardiovascular Biomedical Research Unit, Royal Brompton & Harefield NHS Foundation Trust).

NM_000238.4(KCNH2):c.1685A>C (p.His562Pro)

Gene: KCNH2 (potassium voltage-gated channel subfamily H member 2; minus strand). Cytogenetic location: 7q36.1.
Variant type: single nucleotide variant.
Coding change: c.1685A>C on transcript NM_000238.4 (MANE Select); coding-DNA position 1685, A replaced by C.
Protein change: p.His562Pro; replaces histidine 562 with proline.
Molecular consequence: missense variant.
Genome position (GRCh38, 1-based): chr7:150,951,708, T>G on the plus strand (A>C on the coding strand, the complement: KCNH2 is on the minus strand). VCF-style: chr7-150951708-T-G. GRCh37 (hg19) VCF-style: chr7-150648796-T-G.
Other names: c.1685A>C (LRG_288t1, NM_000238.2); c.665A>C, p.His222Pro (NM_172057.3, NM_001204798.2); c.1397A>C, p.His466Pro (NM_001406753.1, NM_001406756.1); c.1508A>C, p.His503Pro (NM_001406755.1); c.1385A>C, p.His462Pro (NM_001406757.1); c.1685A>C, p.His562Pro (NM_172056.3); short protein forms H222P, H562P, H503P, H466P, H462P.
Identifiers: ClinVar variation 67231 (VCV000067231.8), dbSNP rs199472922, ClinGen allele CA005058.